The following is an entry in ClinVar:

NM_001099922.3(ALG13):c.1597del (p.Glu533fs)

Gene: ALG13 (ALG13 UDP-N-acetylglucosaminyltransferase subunit; plus strand). Cytogenetic location: Xq23.
Variant type: Deletion.
Coding change: c.1597del on transcript NM_001099922.3 (MANE Select); coding-DNA position 1597, one base deleted (G; older notation c.1597delG).
Protein change: p.Glu533fs; shifts the reading frame from glutamic acid 533.
Molecular consequence: frameshift variant.
Genome position (GRCh38, 1-based): chrX:111,723,894, G deleted; the last of 2 consecutive G bases (chrX:111,723,893-111,723,894); deleting either gives the same sequence. VCF-style (leftmost placement, unchanged base first): chrX-111723892-CG-C. GRCh37 (hg19) VCF-style: chrX-110967120-CG-C.
Other names: c.1285del, p.Glu429fs (NM_001257230.2, NM_001257234.2, NM_001257237.2); c.1363del, p.Glu455fs (NM_001257231.2); c.1597del, p.Glu533fs (NM_001324292.2); c.1111del, p.Glu371fs (NM_001324293.1); short protein forms E371fs, E429fs, E455fs, E533fs.
Identifiers: ClinVar variation 4976423 (VCV004976423.1).

ClinVar aggregate classification (germline): Uncertain significance (1 of 4 stars; one submission).

Submission:

GeneDx
Classification: Uncertain significance. Last evaluated: 2026-02-07. Review status: criteria provided, single submitter. Criteria: GeneDx Variant Classification Process June 2021. Collection method: clinical testing. Allele origin: germline.
Comment: Not observed at significant frequency in large population cohorts (gnomAD); Frameshift variant predicted to result in protein truncation or nonsense mediated decay in a gene or region of a gene for which loss of function is not a well-established mechanism of disease; Has not been previously published as pathogenic or benign to our knowledge